The following is an entry in ClinVar:

NM_000264.5(PTCH1):c.3166A>C (p.Ile1056Leu)

Gene: PTCH1 (patched 1; minus strand). Cytogenetic location: 9q22.32.
Variant type: single nucleotide variant.
Coding change: c.3166A>C on transcript NM_000264.5 (MANE Select); coding-DNA position 3166, A replaced by C.
Protein change: p.Ile1056Leu; replaces isoleucine 1056 with leucine.
Molecular consequence: missense variant. On other transcripts: non-coding transcript variant (1).
Genome position (GRCh38, 1-based): chr9:95,458,015, T>G on the plus strand (A>C on the coding strand, the complement: PTCH1 is on the minus strand). VCF-style: chr9-95458015-T-G. GRCh37 (hg19) VCF-style: chr9-98220297-T-G.
Other names: c.2968A>C, p.Ile990Leu (NM_001083602.3); c.3163A>C, p.Ile1055Leu (NM_001083603.3); c.2713A>C, p.Ile905Leu (NM_001083604.3, NM_001083605.3, NM_001083606.3 and 1 more transcripts); c.3010A>C, p.Ile1004Leu (NM_001354918.2); short protein forms I1004L, I1055L, I1056L, I905L, I990L.
Identifiers: ClinVar variation 5027481 (VCV005027481.1).

ClinVar aggregate classification (germline): Uncertain significance (1 of 4 stars; one submission).

Conditions:
Hereditary cancer-predisposing syndrome. Also called: Neoplastic Syndromes, Hereditary; Tumor predisposition; Hereditary neoplastic syndrome; Hereditary Cancer Syndrome. Identifiers: Orphanet 140162, MedGen C0027672, MeSH D009386, MONDO:0015356.

Submission:

Ambry Genetics
Classification: Uncertain significance for Hereditary cancer-predisposing syndrome. Last evaluated: 2026-07-06. Review status: criteria provided, single submitter. Criteria: Ambry Variant Classification Scheme 2023. Collection method: clinical testing. Allele origin: germline.
Comment: The p.I990L variant (also known as c.2968A>C), located in coding exon 18 of the PTCH1 gene, results from an A to C substitution at nucleotide position 2968. The isoleucine at codon 990 is replaced by leucine, an amino acid with highly similar properties. This amino acid position is conserved. In addition, this alteration is predicted to be deleterious by in silico analysis. Based on the available evidence, the clinical significance of this variant remains unclear.